The following is an entry in ClinVar:

NM_000430.4(PAFAH1B1):c.787G>A (p.Val263Ile)

Gene: PAFAH1B1 (platelet activating factor acetylhydrolase 1b regulatory subunit 1; plus strand). Cytogenetic location: 17p13.3.
Variant type: single nucleotide variant.
Coding change: c.787G>A on transcript NM_000430.4 (MANE Select); coding-DNA position 787, G replaced by A.
Protein change: p.Val263Ile; replaces valine 263 with isoleucine.
Molecular consequence: missense variant.
Genome position (GRCh38, 1-based): chr17:2,674,175, G>A. VCF-style: chr17-2674175-G-A. GRCh37 (hg19) VCF-style: chr17-2577469-G-A.
Other names: short protein forms V263I.
Identifiers: ClinVar variation 1571376 (VCV001571376.10), dbSNP rs769869336, ClinGen allele CA8283255.
Genomic context (GRCh38, chr17:2,674,175, plus strand): 5'-AATCAAGATGGCACTCTGATAGCCAGCTGTTCCAATGACCAGACTGTGCGTGTATGGGTC[G>A]TAGCAACAAAGGAATGCAAGGCTGAGCTCCGAGAGCATGAGCATGTGGTAGAATGCATTT-3'
Protein context (NP_000421.1, residues 253-273): SNDQTVRVWV[Val263Ile]ATKECKAELR

ClinVar aggregate classification (germline): Conflicting classifications of pathogenicity. Review status: criteria provided, conflicting classifications (1 of 4 stars). 3 submissions from 3 submitters: Uncertain significance (1); Benign (1); Likely benign (1). Last evaluated 2025-07-22.

Allele frequency attached by ClinVar (database versions not stated): ExAC 0.00001; gnomAD 0.00001; gnomAD exomes 0.00001 and 0.00002; TOPMed 0.00001.

Submissions (3):

Women's Health and Genetics/Laboratory Corporation of America, LabCorp
Classification: Uncertain significance. Last evaluated: 2025-07-22. Review status: criteria provided, single submitter. Criteria: LabCorp Variant Classification Summary - May 2015. Collection method: clinical testing. Allele origin: germline.
Comment: Variant summary: PAFAH1B1 c.787G>A (p.Val263Ile) results in a conservative amino acid change in the encoded protein sequence. Algorithms developed to predict the effect of missense changes on protein structure and function are either unavailable or do not agree on the potential impact of this missense change. The variant allele was found at a frequency of 1.2e-05 in 251464 control chromosomes (gnomAD). The available data on variant occurrences in the general population are insufficient to allow any conclusion about variant significance. To our knowledge, no occurrence of c.787G>A in individuals affected with PAFAH1B1-Associated Lissencephaly/Subcortical Band Heterotopia and no experimental evidence demonstrating its impact on protein function have been reported. ClinVar contains an entry for this variant (Variation ID: 1571376). Based on the evidence outlined above, the variant was classified as uncertain significance.

Labcorp Genetics (formerly Invitae), Labcorp
Classification: Benign. Last evaluated: 2025-04-29. Review status: criteria provided, single submitter. Criteria: Invitae Variant Classification Sherloc (09022015). Collection method: clinical testing. Allele origin: germline.

Blueprint Genetics
Classification: Likely benign. Last evaluated: 2024-07-30. Review status: criteria provided, single submitter. Criteria: ACMG Guidelines, 2015. Collection method: clinical testing. Allele origin: germline.